The following is an entry in ClinVar:

NM_000484.4(APP):c.44C>T (p.Ala15Val)

Gene: APP (amyloid beta precursor protein; minus strand). Cytogenetic location: 21q21.3.
Variant type: single nucleotide variant.
Coding change: c.44C>T on transcript NM_000484.4 (MANE Select); coding-DNA position 44, C replaced by T.
Protein change: p.Ala15Val; replaces alanine 15 with valine.
Molecular consequence: missense variant. On other transcripts: intron variant (1).
Genome position (GRCh38, 1-based): chr21:26,170,577, G>A on the plus strand (C>T on the coding strand, the complement: APP is on the minus strand). VCF-style: chr21-26170577-G-A. GRCh37 (hg19) VCF-style: chr21-27542895-G-A.
Other names: c.44C>T (NM_000484.3); c.44C>T, p.Ala15Val (NM_001136129.3, NM_001136130.3, NM_001204301.2 and 5 more transcripts); c.-49+408C>T (NM_001136131.3); short protein forms A15V.
Identifiers: ClinVar variation 1102353 (VCV001102353.10), dbSNP rs913925398, ClinGen allele CA410167207.
Genomic context (GRCh38, chr21:26,170,577, plus strand): 5'-GTCCCCACCGTGCAGCCTCCCCCCGCCTTCCGAGGCGCGGCACCCACCTCCAGCGCCCGA[G>A]CCGTCCAGGCGGCCAGCAGGAGCAGTGCCAAACCGGGCAGCATCGCGACCCTGCGCGGGG-3'
Protein context (NP_000475.1, residues 5-25): LALLLLAAWT[Ala15Val]RALEVPTDGN

ClinVar aggregate classification (germline): Conflicting classifications of pathogenicity. Review status: criteria provided, conflicting classifications (1 of 4 stars). 2 submissions from 2 submitters: Uncertain significance (1); Likely benign (1). Last evaluated 2026-09-22.

Conditions:
Alzheimer disease. Also called: Alzheimer's disease; Presenile and senile dementia. Identifiers: Orphanet 1020, MedGen C0002395, MeSH D000544, MONDO:0004975, HP:0002511.
APP-related disorder. Also called: APP-related condition.

Allele frequency attached by ClinVar (database versions not stated): gnomAD 0.00001 and 0.00003; gnomAD exomes 0.00001 and 0.00006; TOPMed 0.00003; 1000 Genomes Project 30x 0.00031.
gnomAD v4.1: 20 of 1,538,764 alleles (0.0013%); highest among the groups gnomAD compares: East Asian, 0.042%; no homozygotes.

Submissions (2):

PreventionGenetics, part of Exact Sciences
Classification: Uncertain significance for APP-related condition. Last evaluated: 2026-09-22. Review status: criteria provided, single submitter. Criteria: ACMG Guidelines, 2015. Collection method: clinical testing. Allele origin: germline.
Comment: The APP c.44C>T variant is predicted to result in the amino acid substitution p.Ala15Val. To our knowledge, this variant has not been reported in the literature. This variant is reported in 0.074% of alleles in individuals of East Asian descent in gnomAD. Although we suspect that this variant may be benign, at this time, the clinical significance of this variant is uncertain due to the absence of conclusive functional and genetic evidence.

Labcorp Genetics (formerly Invitae), Labcorp
Classification: Likely benign for Alzheimer disease. Last evaluated: 2025-12-31. Review status: criteria provided, single submitter. Criteria: Invitae Variant Classification Sherloc (09022015). Collection method: clinical testing. Allele origin: germline.